The following is an entry in ClinVar:

ClinVar aggregate classification (germline): Likely benign (1 of 4 stars; one submission).

Allele frequency attached by ClinVar (database versions not stated): ExAC 0.00184; 1000 Genomes Project 0.00260; 1000 Genomes Project 30x 0.00265; gnomAD 0.00652; gnomAD exomes 0.00712.
gnomAD v4.1: 9,581 of 1,373,878 alleles (0.7%); highest among the groups gnomAD compares: Non-Finnish European, 0.76%; 60 homozygotes.

Submissions (3):

CeGaT Center for Human Genetics Tuebingen
Classification: Likely benign. Last evaluated: 2023-02-01. Review status: criteria provided, single submitter. Criteria: CeGaT Center For Human Genetics Tuebingen Variant Classification Criteria Version 2. Collection method: clinical testing. Allele origin: germline. Affected: yes. Observed: 3 variant alleles.
Comment: TNRC18: BS2

Dr. Peter K. Rogan Lab, Western University
No classification provided (evidence only). Condition: Hepatocellular carcinoma. Review status: no classification provided. Collection method: in vitro. Allele origin: not applicable. Functional consequence: retained intron. Not counted in ClinVar's aggregate classification.

Dr. Peter K. Rogan Lab, Western University
No classification provided (evidence only). Condition: Ovarian serous cystadenocarcinoma. Review status: no classification provided. Collection method: in vitro. Allele origin: not applicable. Functional consequence: retained intron. Not counted in ClinVar's aggregate classification.

NM_001080495.3(TNRC18):c.899C>T (p.Ala300Val)

Gene: TNRC18 (trinucleotide repeat containing 18; minus strand). Cytogenetic location: 7p22.1.
Variant type: single nucleotide variant.
Coding change: c.899C>T on transcript NM_001080495.3 (MANE Select); coding-DNA position 899, C replaced by T.
Protein change: p.Ala300Val; replaces alanine 300 with valine.
Molecular consequence: missense variant.
Genome position (GRCh38, 1-based): chr7:5,388,925, G>A on the plus strand (C>T on the coding strand, the complement: TNRC18 is on the minus strand). VCF-style: chr7-5388925-G-A. GRCh37 (hg19) VCF-style: chr7-5428556-G-A.
Other names: NC_000007.13:g.5428556G>A; short protein forms A300V.
Identifiers: ClinVar variation 2657283 (VCV002657283.25), dbSNP rs149434477, ClinGen allele CA4145717.